The following is an entry in ClinVar:

NM_000548.5(TSC2):c.2097+2dup

Gene: TSC2 (TSC complex subunit 2; plus strand). Cytogenetic location: 16p13.3.
Variant type: Duplication.
Coding change: c.2097+2dup on transcript NM_000548.5 (MANE Select); the canonical splice donor site of the intron after coding-DNA position 2097, one base duplicated (T; older notation c.2097+2dupT).
Molecular consequence: splice donor variant.
Genome position (GRCh38, 1-based): chr16:2,071,936, T duplicated. VCF-style (leftmost placement, unchanged base first): chr16-2071935-G-GT. GRCh37 (hg19) VCF-style: chr16-2121936-G-GT.
Other names: c.2097+2dupT (NM_000548.3); c.2097+2dup (NM_001114382.3, NM_021055.3, NM_001370405.1 and 3 more transcripts); c.1986+2dup (NM_001318827.2); c.1497+2dup (NM_001318831.2); c.1950+2dup (NM_001318829.2); c.2130+2dup (NM_001318832.2).
Identifiers: ClinVar variation 859641 (VCV000859641.8), dbSNP rs2088488578, ClinGen allele CA916081765.
Genomic context (GRCh38, chr16:2,071,935, plus strand): 5'-CGGCTGGGGTCCGTGCCCTACTCCCTGCTCTTCCGCGTCCTGCTGCAGTGCTTGAAGCAG[G>GT]TGAGTGGGGCCGGGCAGGGACCATCCGTCCCACGTTGGGCCAGGAGGACAGGGAGCTGCC-3'

ClinVar aggregate classification (germline): Uncertain significance. Review status: criteria provided, multiple submitters, no conflicts (2 of 4 stars). 3 submissions from 3 submitters: Uncertain significance (3). Last evaluated 2025-06-11.

Conditions:
Hereditary cancer-predisposing syndrome. Also called: Neoplastic Syndromes, Hereditary; Tumor predisposition; Hereditary Cancer Syndrome; Hereditary neoplastic syndrome. Identifiers: Orphanet 140162, MedGen C0027672, MeSH D009386, MONDO:0015356.
Tuberous sclerosis 2 (TSC2). Identifiers: Orphanet 805, MedGen C1860707, MONDO:0013199, OMIM 613254.

Submissions (3):

Labcorp Genetics (formerly Invitae), Labcorp
Classification: Uncertain significance for Tuberous sclerosis 2. Last evaluated: 2025-06-11. Review status: criteria provided, single submitter. Criteria: Invitae Variant Classification Sherloc (09022015). Collection method: clinical testing. Allele origin: germline.
Comment: This sequence change falls in intron 19 of the TSC2 gene. It does not directly change the encoded amino acid sequence of the TSC2 protein. RNA analysis indicates that this variant induces altered splicing and may result in an absent or altered protein product. This variant is not present in population databases (gnomAD no frequency). This variant has not been reported in the literature in individuals affected with TSC2-related conditions. ClinVar contains an entry for this variant (Variation ID: 859641). Variants that disrupt the consensus splice site are a relatively common cause of aberrant splicing (PMID: 17576681, 9536098). Studies have shown that this variant results in skipping of exon 19, and produces a non-functional protein and/or introduces a premature termination codon (internal data). In summary, the available evidence is currently insufficient to determine the role of this variant in disease. Therefore, it has been classified as a Variant of Uncertain Significance.

Ambry Genetics
Classification: Uncertain significance for Hereditary cancer-predisposing syndrome. Last evaluated: 2025-01-13. Review status: criteria provided, single submitter. Criteria: Ambry Variant Classification Scheme 2023. Collection method: clinical testing. Allele origin: germline.
Comment: The c.2097+2dupT intronic variant, results from a duplication of two nucleotides at nucleotide position 2097 after intron 18 of the TSC2 gene. This nucleotide position is well conserved in available vertebrate species. In silico splice site analysis predicts that this alteration will weaken the native splice acceptor site. RNA studies have demonstrated that this alteration results in a splice defect; the clinical impact of this abnormal splicing is unknown at this time (Ambry internal data). Based on the available evidence, the clinical significance of this variant remains unclear.

Blueprint Genetics
Classification: Uncertain significance. Last evaluated: 2022-03-04. Review status: criteria provided, single submitter. Criteria: ACMG Guidelines, 2015. Collection method: clinical testing. Allele origin: germline.

Literature cited by the submitters: PubMed 17576681 (cited by Labcorp Genetics (formerly Invitae), Labcorp); PubMed 9536098 (cited by Labcorp Genetics (formerly Invitae), Labcorp).